The following is an entry in ClinVar:

ClinVar aggregate classification (germline): Uncertain significance (1 of 4 stars; one submission).

Allele frequency attached by ClinVar (database versions not stated): gnomAD exomes below 0.00001; gnomAD 0.00001.
gnomAD v4.1: 3 of 1,567,030 alleles (0.00019%); highest among the groups gnomAD compares: African/African-American, 0.0029%; no homozygotes.

Submission:

Labcorp Genetics (formerly Invitae), Labcorp
Classification: Uncertain significance. Last evaluated: 2024-09-23. Review status: criteria provided, single submitter. Criteria: Invitae Variant Classification Sherloc (09022015). Collection method: clinical testing. Allele origin: germline.
Comment: This sequence change replaces serine, which is neutral and polar, with proline, which is neutral and non-polar, at codon 1968 of the CACNA1B protein (p.Ser1968Pro). The frequency data for this variant in the population databases is considered unreliable, as metrics indicate poor data quality at this position in the gnomAD database. This variant has not been reported in the literature in individuals affected with CACNA1B-related conditions. ClinVar contains an entry for this variant (Variation ID: 2005891). Invitae Evidence Modeling of protein sequence and biophysical properties (such as structural, functional, and spatial information, amino acid conservation, physicochemical variation, residue mobility, and thermodynamic stability) indicates that this missense variant is not expected to disrupt CACNA1B protein function with a negative predictive value of 80%. In summary, the available evidence is currently insufficient to determine the role of this variant in disease. Therefore, it has been classified as a Variant of Uncertain Significance.

NM_000718.4(CACNA1B):c.5902T>C (p.Ser1968Pro)

Gene: CACNA1B (calcium voltage-gated channel subunit alpha1 B; plus strand). Cytogenetic location: 9q34.3.
Variant type: single nucleotide variant.
Coding change: c.5902T>C on transcript NM_000718.4 (MANE Select); coding-DNA position 5902, T replaced by C.
Protein change: p.Ser1968Pro; replaces serine 1968 with proline.
Molecular consequence: missense variant.
Genome position (GRCh38, 1-based): chr9:138,118,070, T>C. VCF-style: chr9-138118070-T-C. GRCh37 (hg19) VCF-style: chr9-141012522-T-C.
Other names: c.5902T>C, p.Ser1968Pro (NM_001243812.2); short protein forms S1968P.
Identifiers: ClinVar variation 2005891 (VCV002005891.4), dbSNP rs1459357124, ClinGen allele CA375819788.